The following is an entry in ClinVar:

NM_000466.3(PEX1):c.629_630delinsA (p.Met210fs)

Gene: PEX1 (peroxisomal biogenesis factor 1; minus strand). Cytogenetic location: 7q21.2.
Variant type: Indel.
Coding change: c.629_630delinsA on transcript NM_000466.3 (MANE Select); coding-DNA positions 629 to 630, TG replaced by A.
Protein change: p.Met210fs; shifts the reading frame from methionine 210.
Molecular consequence: frameshift variant.
Genome position (GRCh38, 1-based): chr7:92,517,885-92,517,886, CA replaced by T on the plus strand (TG replaced by A on the coding strand, the reverse complement: PEX1 is on the minus strand). VCF-style: chr7-92517885-CA-T. GRCh37 (hg19) VCF-style: chr7-92147199-CA-T.
Other names: c.629_630delinsA, p.Met210fs (NM_001282677.2); c.5_6delinsA, p.Met2fs (NM_001282678.2); short protein forms M210fs, M2fs.
Identifiers: ClinVar variation 1725575 (VCV001725575.3), dbSNP rs2484703860, ClinGen allele CA2580077844.
Genomic context (GRCh38, chr7:92,517,885, plus strand): 5'-TTCATTAGATTCAGTGATTCCCACAGTATTTGACTGAAGTTGCTTGGTTTGAAGTTCTTT[CA>T]TCATTCCTTTCTGGTCTCTTCCATAACTATGAAGTTTTTTATATTCAGCATCAGCTTTTG-3'

ClinVar aggregate classification (germline): Likely pathogenic (1 of 4 stars; one submission).

Conditions:
Peroxisome biogenesis disorder. Identifiers: Orphanet 79189, MedGen C1832200, MONDO:0019234. Disease mechanism: loss of function.

Submission:

Myriad Genetics, Inc.
Classification: Likely pathogenic for Peroxisome biogenesis disorder. Last evaluated: 2022-03-30. Review status: criteria provided, single submitter. Criteria: Myriad Autosomal Dominant, Autosomal Recessive and X-Linked Classification Criteria (2023). Collection method: clinical testing. Allele origin: unknown.
Comment: NM_000466.2(PEX1):c.629_630delTGinsA(M210Kfs*33) is expected to be pathogenic in the context of peroxisome biogenesis disorder type 1. This variant is predicted to lead to an abnormal or absent protein product due to the creation of a premature termination codon in PEX1, a gene where loss-of-function variants are known to be pathogenic. Please note: this variant was assessed in the context of healthy population screening.